The following is an entry in ClinVar:

ClinVar aggregate classification (germline): Pathogenic (1 of 4 stars; one submission).

Conditions:
Arteriohepatic dysplasia. Also called: Alagille Syndrome. Identifiers: Orphanet 52, MedGen C0085280, MeSH D016738, MONDO:0007318.

Submission:

Center of Genomic medicine, Geneva, University Hospital of Geneva
Classification: Pathogenic for Arteriohepatic dysplasia. Last evaluated: 2018-01-15. Review status: criteria provided, single submitter. Criteria: ACMG Guidelines, 2015. Collection method: clinical testing. Allele origin: de novo. Affected: yes.

NM_000214.3(JAG1):c.3168_3169del (p.Arg1056fs)

Gene: JAG1 (jagged canonical Notch ligand 1; minus strand). Cytogenetic location: 20p12.2.
Variant type: Microsatellite.
Coding change: c.3168_3169del on transcript NM_000214.3 (MANE Select); coding-DNA positions 3168 to 3169, 2 bases deleted (AG; older notation c.3168_3169delAG).
Protein change: p.Arg1056fs; shifts the reading frame from arginine 1056.
Molecular consequence: frameshift variant.
Genome position (GRCh38, 1-based): chr20:10,640,813-10,640,814, CT deleted on the plus strand (AG on the coding strand, the reverse complement: JAG1 is on the minus strand); deleting any 2 consecutive bases within chr20:10,640,813-10,640,816 gives the same sequence; the c. name uses the placement nearest the transcript's 3' end. VCF-style (leftmost placement, unchanged base first): chr20-10640812-ACT-A. GRCh37 (hg19) VCF-style: chr20-10621460-ACT-A.
Other names: short protein forms R1056fs.
Identifiers: ClinVar variation 523627 (VCV000523627.3), dbSNP rs1555827650, ClinGen allele CA658799324.